The following is an entry in ClinVar:

NM_001378609.3(OTOGL):c.3480T>C (p.Cys1160=)

Gene: OTOGL (otogelin like; plus strand). Cytogenetic location: 12q21.31.
Variant type: single nucleotide variant.
Coding change: c.3480T>C on transcript NM_001378609.3 (MANE Select); coding-DNA position 3480, T replaced by C.
Protein change: p.Cys1160=; no amino-acid change (cysteine 1160 retained).
Molecular consequence: synonymous variant.
Genome position (GRCh38, 1-based): chr12:80,313,505, T>C. VCF-style: chr12-80313505-T-C. GRCh37 (hg19) VCF-style: chr12-80707285-T-C.
Other names: p.Cys1151=; c.3345T>C, p.Cys1115= (NM_001368062.3); c.3480T>C, p.Cys1160= (NM_001378610.3, NM_173591.7).
Identifiers: ClinVar variation 226943 (VCV000226943.16), dbSNP rs12316424, ClinGen allele CA6701096.

ClinVar aggregate classification (germline): Benign. Review status: criteria provided, multiple submitters, no conflicts (2 of 4 stars). 6 submissions from 6 submitters: Benign (6). Last evaluated 2026-02-01.

Allele frequency attached by ClinVar (database versions not stated): gnomAD exomes 0.00672 and 0.01787; ExAC 0.02182; gnomAD 0.07000 and 0.07517; 1000 Genomes Project 0.07428; ESP Exome Variant Server 0.07512; TOPMed 0.07907; 1000 Genomes Project 30x 0.07964.
gnomAD v4.1: 20,923 of 1,612,322 alleles (1.3%); highest among the groups gnomAD compares: African/African-American, 24%; 2,357 homozygotes.

Submissions (6):

Labcorp Genetics (formerly Invitae), Labcorp
Classification: Benign. Last evaluated: 2026-02-01. Review status: criteria provided, single submitter. Criteria: Invitae Variant Classification Sherloc (09022015). Collection method: clinical testing. Allele origin: germline.

Mayo Clinic Laboratories, Mayo Clinic
Classification: Benign. Last evaluated: 2022-04-17. Review status: criteria provided, single submitter. Criteria: ACMG Guidelines, 2015. Collection method: clinical testing. Allele origin: germline. Observed: 6 variant alleles.

Athena Diagnostics
Classification: Benign. Last evaluated: 2019-02-15. Review status: criteria provided, single submitter. Criteria: Athena Diagnostics Criteria. Collection method: clinical testing. Allele origin: germline.

GeneDx
Classification: Benign. Last evaluated: 2017-10-23. Review status: criteria provided, single submitter. Criteria: GeneDx Variant Classification (06012015). Collection method: clinical testing. Allele origin: germline. Affected: yes.
Comment: This variant is considered likely benign or benign based on one or more of the following criteria: it is a conservative change, it occurs at a poorly conserved position in the protein, it is predicted to be benign by multiple in silico algorithms, and/or has population frequency not consistent with disease.

Laboratory for Molecular Medicine, Mass General Brigham Personalized Medicine
Classification: Benign. Last evaluated: 2014-11-24. Review status: criteria provided, single submitter. Criteria: LMM Criteria. Collection method: clinical testing. Allele origin: germline. Observed: 38 variant alleles.
Comment: Cys1151Cys in exon 30 of OTOGL: This variant is not expected to have clinical si gnificance because it does not alter an amino acid residue and is not located wi thin the splice consensus sequence. It has been identified in 22.3% (963/4318) o f African American chromosomes from a broad population by the NHLBI Exome Sequen cing Project (dbSNP rs12316424).

Breakthrough Genomics
Classification: Benign. Review status: criteria provided, single submitter. Criteria: ACMG Guidelines, 2015. Collection method: not provided. Allele origin: germline. Inheritance: Autosomal recessive inheritance. Affected: yes.